The following is an entry in ClinVar:

ClinVar aggregate classification (germline): Conflicting classifications of pathogenicity. Review status: criteria provided, conflicting classifications (1 of 4 stars). 2 submissions from 2 submitters: Uncertain significance (1); Likely benign (1). Last evaluated 2018-01-13.

Conditions:
Maturity-onset diabetes of the young (MODY). Also called: Maturity onset diabetes mellitus in young. Identifiers: Orphanet 552, MedGen C0342276, MONDO:0018911, HP:0004904.
Renal cysts and diabetes syndrome (RCAD). Also called: Familial hypoplastic, glomerulocystic kidney; MATURITY-ONSET DIABETES OF THE YOUNG, TYPE 5. Identifiers: Orphanet 93111, MedGen C0431693, MONDO:0007669, OMIM 137920.

Allele frequency attached by ClinVar (database versions not stated): gnomAD exomes 0.00011; gnomAD 0.00012 and 0.00013; TOPMed 0.00013.
gnomAD v4.1: 141 of 1,245,946 alleles (0.011%); highest among the groups gnomAD compares: Non-Finnish European, 0.0016%; no homozygotes.

Submissions (2):

Illumina Laboratory Services, Illumina
Classification: Uncertain significance for Renal cysts and diabetes syndrome. Last evaluated: 2018-01-13. Review status: criteria provided, single submitter. Criteria: ICSL Variant Classification Criteria 13 December 2019. Collection method: clinical testing. Allele origin: germline.

Clinical Genomics, Uppaluri K&H Personalized Medicine Clinic
Classification: Likely benign for Maturity-onset diabetes of the young. Review status: criteria provided, single submitter. Criteria: K & H Uppaluri Personalized Medicine Clinic Variant Classification & Assertion Criteria_Updated V.1. Collection method: research. Allele origin: unknown. Inheritance: Autosomal dominant inheritance.
Comment: HNF1B gene mutations are associated with early onset diabetes and pancreatic atrophy. It is also associated with multiple renal manifestations including renal cysts, Tubulointerstitial disease, glomerulocystic disease, renal hypoplasia, hypomagnesemia. However no sufficient evidence is found to ascertain the role of this particular variant rs886052892, yet.

Literature cited by the submitters: PubMed 24897035 (cited by Clinical Genomics, Uppaluri K&H Personalized Medicine Clinic); PubMed 25536396 (cited by Clinical Genomics, Uppaluri K&H Personalized Medicine Clinic); PubMed 27615128 (cited by Clinical Genomics, Uppaluri K&H Personalized Medicine Clinic); PubMed 28215227 (cited by Clinical Genomics, Uppaluri K&H Personalized Medicine Clinic); PubMed 33434175 (cited by Clinical Genomics, Uppaluri K&H Personalized Medicine Clinic); PubMed 25741167 (cited by Clinical Genomics, Uppaluri K&H Personalized Medicine Clinic); PubMed 26340261 (cited by Clinical Genomics, Uppaluri K&H Personalized Medicine Clinic); PubMed 19639018 (cited by Clinical Genomics, Uppaluri K&H Personalized Medicine Clinic).

NM_000458.4(HNF1B):c.-82G>T

Gene: HNF1B (HNF1 homeobox B; minus strand). Cytogenetic location: 17q12.
Variant type: single nucleotide variant.
Coding change: c.-82G>T on transcript NM_000458.4 (MANE Select); 82 bases upstream of the start codon, G replaced by T.
Molecular consequence: 5 prime UTR variant.
Genome position (GRCh38, 1-based): chr17:37,744,966, C>A on the plus strand (G>T on the coding strand, the complement: HNF1B is on the minus strand). VCF-style: chr17-37744966-C-A. GRCh37 (hg19) VCF-style: chr17-36104957-C-A.
Other names: c.-82G>T (NM_001165923.4, NM_001304286.2).
Identifiers: ClinVar variation 322952 (VCV000322952.6), dbSNP rs886052892, ClinGen allele CA10639536.